The following is an entry in ClinVar:

ClinVar aggregate classification (germline): Likely benign (1 of 4 stars; one submission).

Allele frequency attached by ClinVar (database versions not stated): gnomAD 0.00001; ExAC 0.00003; 1000 Genomes Project 30x 0.00016; 1000 Genomes Project 0.00020.

Submission:

CeGaT Center for Human Genetics Tuebingen
Classification: Likely benign. Last evaluated: 2022-07-01. Review status: criteria provided, single submitter. Criteria: CeGaT Center For Human Genetics Tuebingen Variant Classification Criteria Version 2. Collection method: clinical testing. Allele origin: germline. Affected: yes. Observed: 1 variant allele.
Comment: ZNF677: BP4, BP7

NM_182609.4(ZNF677):c.75G>A (p.Leu25=)

Gene: ZNF677 (zinc finger protein 677; minus strand). Cytogenetic location: 19q13.42.
Variant type: single nucleotide variant.
Coding change: c.75G>A on transcript NM_182609.4 (MANE Select); coding-DNA position 75, G replaced by A.
Protein change: p.Leu25=; no amino-acid change (leucine 25 retained).
Molecular consequence: synonymous variant. On other transcripts: non-coding transcript variant (1).
Genome position (GRCh38, 1-based): chr19:53,243,838, C>T on the plus strand (G>A on the coding strand, the complement: ZNF677 is on the minus strand). VCF-style: chr19-53243838-C-T. GRCh37 (hg19) VCF-style: chr19-53747091-C-T.
Other names: c.75G>A, p.Leu25= (NM_001317998.2, NM_001385608.1, NM_001385609.1 and 9 more transcripts).
Identifiers: ClinVar variation 2650408 (VCV002650408.24), dbSNP rs544661058, ClinGen allele CA9632637.